The following is an entry in ClinVar:

ClinVar aggregate classification (germline): Uncertain significance (1 of 4 stars; one submission).

gnomAD v4.1: 2 of 1,601,962 alleles (0.00012%); highest among the groups gnomAD compares: Non-Finnish European, 0.00017%; no homozygotes.

Submission:

Labcorp Genetics (formerly Invitae), Labcorp
Classification: Uncertain significance. Last evaluated: 2024-10-03. Review status: criteria provided, single submitter. Criteria: Invitae Variant Classification Sherloc (09022015). Collection method: clinical testing. Allele origin: germline.
Comment: This sequence change falls in intron 45 of the TRRAP gene. It does not directly change the encoded amino acid sequence of the TRRAP protein. This variant is not present in population databases (gnomAD no frequency). This variant has not been reported in the literature in individuals affected with TRRAP-related conditions. Algorithms developed to predict the effect of sequence changes on RNA splicing suggest that this variant may disrupt the consensus splice site. In summary, the available evidence is currently insufficient to determine the role of this variant in disease. Therefore, it has been classified as a Variant of Uncertain Significance.

NM_001375524.1(TRRAP):c.6830-15A>G

Gene: TRRAP (transformation/transcription domain associated protein; plus strand). Cytogenetic location: 7q22.1.
Variant type: single nucleotide variant.
Coding change: c.6830-15A>G on transcript NM_001375524.1 (MANE Select); 15 bases into the intron before coding-DNA position 6830, A replaced by G.
Molecular consequence: intron variant.
Genome position (GRCh38, 1-based): chr7:98,964,614, A>G. VCF-style: chr7-98964614-A-G. GRCh37 (hg19) VCF-style: chr7-98562237-A-G.
Other names: c.6809-15A>G (NM_001244580.2); c.6755-15A>G (NM_003496.4).
Identifiers: ClinVar variation 3699136 (VCV003699136.2).
Genomic context (GRCh38, chr7:98,964,614, plus strand): 5'-ATAATGTGTTGCTTTCACTCTGTTTTTCGTGGTTGTTACTTTTCTGTGAAACACTTGGCA[A>G]TTTCTACATTTTAGGGACCCTTATGATCCTCAAGTCTGCCTGCAGCAACAACCCCAGCTA-3'